The following is an entry in ClinVar:

ClinVar aggregate classification (germline): Pathogenic. Review status: criteria provided, single submitter (1 of 4 stars). 2 submissions from 2 submitters: Pathogenic (1). 1 of the submissions does not count toward it. Last evaluated 2025-10-21.

Conditions:
Breast-ovarian cancer, familial, susceptibility to, 2 (BROVCA2). Also called: BRCA2 Hereditary Breast and Ovarian Cancer. Identifiers: Orphanet 145, MedGen C2675520, MONDO:0012933, OMIM 612555. Disease mechanism: loss of function.
Familial cancer of breast. Also called: hereditary breast carcinoma; BREAST CANCER, FAMILIAL; Hereditary breast cancer. Identifiers: Orphanet 227535, MedGen C0346153, MONDO:0016419, OMIM 114480. Disease mechanism: loss of function.

Submissions (2):

Myriad Genetics, Inc.
Classification: Pathogenic for Breast-ovarian cancer, familial, susceptibility to, 2. Last evaluated: 2025-10-21. Review status: criteria provided, single submitter. Criteria: Myriad Autosomal Dominant, Autosomal Recessive and X-Linked Classification Criteria (2023). Collection method: clinical testing. Allele origin: unknown.
Comment: This variant is considered pathogenic. This variant creates a frameshift predicted to result in premature protein truncation.

Genomic Center, National Cancer Institute
Classification: Pathogenic for Familial cancer of breast. Review status: no assertion criteria provided. Collection method: case-control. Allele origin: germline. Affected: yes. Not counted in ClinVar's aggregate classification.

NM_000059.4(BRCA2):c.5362del (p.Ser1788fs)

Gene: BRCA2 (BRCA2 DNA repair associated; plus strand). Cytogenetic location: 13q13.1.
Variant type: Deletion.
Coding change: c.5362del on transcript NM_000059.4 (MANE Select); coding-DNA position 5362, one base deleted (T; older notation c.5362delT).
Protein change: p.Ser1788fs; shifts the reading frame from serine 1788.
Molecular consequence: frameshift variant.
Genome position (GRCh38, 1-based): chr13:32,339,717, T deleted; the last of 5 consecutive T bases (chr13:32,339,713-32,339,717); deleting any one gives the same sequence. VCF-style (leftmost placement, unchanged base first): chr13-32339712-GT-G. GRCh37 (hg19) VCF-style: chr13-32913849-GT-G.
Other names: c.5362delT (NM_000059.4); short protein forms S1788fs.
Identifiers: ClinVar variation 1012160 (VCV001012160.4), dbSNP rs587781849, ClinGen allele CA2082822383.
Genomic context (GRCh38, chr13:32,339,712, plus strand): 5'-ATAAACTTGATTCTGGTATTGAGCCAGTATTGAAGAATGTTGAAGATCAAAAAAACACTA[GT>G]TTTTCCAAAGTAATATCCAATGTAAAAGATGCAAATGCATACCCACAAACTGTAAATGAA-3'